The following is an entry in ClinVar:

NM_020921.4(NIN):c.3458G>A (p.Arg1153Gln)

Gene: NIN (ninein; minus strand). Cytogenetic location: 14q22.1.
Variant type: single nucleotide variant.
Coding change: c.3458G>A on transcript NM_020921.4 (MANE Select); coding-DNA position 3458, G replaced by A.
Protein change: p.Arg1153Gln; replaces arginine 1153 with glutamine.
Molecular consequence: missense variant. On other transcripts: intron variant (1).
Genome position (GRCh38, 1-based): chr14:50,757,572, C>T on the plus strand (G>A on the coding strand, the complement: NIN is on the minus strand). VCF-style: chr14-50757572-C-T. GRCh37 (hg19) VCF-style: chr14-51224290-C-T.
Other names: c.3458G>A, p.Arg1153Gln (NM_182944.3, NM_182946.2); c.2399+2285G>A (NM_016350.5); c.3458G>A (NM_020921.3); short protein forms R1153Q.
Identifiers: ClinVar variation 2713805 (VCV002713805.4), dbSNP rs376627489, ClinGen allele CA7181732.

ClinVar aggregate classification (germline): Conflicting classifications of pathogenicity. Review status: criteria provided, conflicting classifications (1 of 4 stars). 2 submissions from 2 submitters: Uncertain significance (1); Likely benign (1). Last evaluated 2025-08-05.

Allele frequency attached by ClinVar (database versions not stated): gnomAD exomes 0.00002; ExAC 0.00005; ESP Exome Variant Server 0.00008; TOPMed 0.00014; gnomAD 0.00015; 1000 Genomes Project 30x 0.00031; 1000 Genomes Project 0.00040.
gnomAD v4.1: 48 of 1,614,092 alleles (0.003%); highest among the groups gnomAD compares: African/African-American, 0.037%; no homozygotes.

Submissions (2):

Ambry Genetics
Classification: Likely benign. Last evaluated: 2025-08-05. Review status: criteria provided, single submitter. Criteria: Ambry Variant Classification Scheme 2023. Collection method: clinical testing. Allele origin: germline.

Labcorp Genetics (formerly Invitae), Labcorp
Classification: Uncertain significance. Last evaluated: 2023-11-10. Review status: criteria provided, single submitter. Criteria: Invitae Variant Classification Sherloc (09022015). Collection method: clinical testing. Allele origin: germline.
Comment: This sequence change replaces arginine, which is basic and polar, with glutamine, which is neutral and polar, at codon 1153 of the NIN protein (p.Arg1153Gln). This variant is present in population databases (rs376627489, gnomAD 0.03%). This variant has not been reported in the literature in individuals affected with NIN-related conditions. Algorithms developed to predict the effect of missense changes on protein structure and function output the following: SIFT: "Not Available"; PolyPhen-2: "Benign"; Align-GVGD: "Not Available". The glutamine amino acid residue is found in multiple mammalian species, which suggests that this missense change does not adversely affect protein function. In summary, the available evidence is currently insufficient to determine the role of this variant in disease. Therefore, it has been classified as a Variant of Uncertain Significance.